The following is an entry in ClinVar:

ClinVar aggregate classification (germline): Uncertain significance. Review status: criteria provided, multiple submitters, no conflicts (2 of 4 stars). 3 submissions from 3 submitters: Uncertain significance (3). Last evaluated 2026-03-05.

Conditions:
Ehlers-Danlos syndrome, classic type, 1 (EDSCL1). Also called: EHLERS-DANLOS SYNDROME, GRAVIS TYPE; EHLERS-DANLOS SYNDROME, SEVERE CLASSIC TYPE; Ehlers-Danlos syndrome, type 1; Ehlers-Danlos Syndrome, Classic Type, COL5A1-Related; EDS I. Identifiers: MedGen C0268335, MONDO:0019567, OMIM 130000.

Allele frequency attached by ClinVar (database versions not stated): gnomAD 0.00002 and 0.00001; gnomAD exomes below 0.00001; TOPMed 0.00002.
gnomAD v4.1: 6 of 1,613,652 alleles (0.00037%); highest among the groups gnomAD compares: Admixed American, 0.0067%; no homozygotes.

Submissions (3):

Mendelics
Classification: Uncertain significance for Ehlers-Danlos syndrome, classic type, 1. Last evaluated: 2026-03-05. Review status: criteria provided, single submitter. Criteria: ACMG Guidelines, 2015. Collection method: clinical testing. Allele origin: unknown.
Comment: The available evidence is insufficient to conclusively determine the role of this variant. Therefore, it is classified as a Variant of Uncertain Significance.

Women's Health and Genetics/Laboratory Corporation of America, LabCorp
Classification: Uncertain significance. Last evaluated: 2025-11-28. Review status: criteria provided, single submitter. Criteria: LabCorp Variant Classification Summary - May 2015. Collection method: clinical testing. Allele origin: germline.
Comment: Variant summary: COL5A1 c.2331+4G>A alters a conserved nucleotide located close to a canonical splice site and therefore could affect mRNA splicing, leading to a significantly altered protein sequence. Consensus agreement among computation tools predict no significant impact on normal splicing. However, these predictions have yet to be confirmed by functional studies. The variant was absent in 251204 control chromosomes. The available data on variant occurrences in the general population are insufficient to allow any conclusion about variant significance. To our knowledge, no occurrence of c.2331+4G>A in individuals affected with COL5A1-related conditions and no experimental evidence demonstrating its impact on protein function have been reported. ClinVar contains an entry for this variant (Variation ID: 1504573). Based on the evidence outlined above, the variant was classified as uncertain significance.

Labcorp Genetics (formerly Invitae), Labcorp
Classification: Uncertain significance for Ehlers-Danlos syndrome, classic type, 1. Last evaluated: 2025-08-29. Review status: criteria provided, single submitter. Criteria: Invitae Variant Classification Sherloc (09022015). Collection method: clinical testing. Allele origin: germline.
Comment: This sequence change falls in intron 26 of the COL5A1 gene. It does not directly change the encoded amino acid sequence of the COL5A1 protein. It affects a nucleotide within the consensus splice site. This variant is not present in population databases (gnomAD no frequency). This variant has not been reported in the literature in individuals affected with COL5A1-related conditions. ClinVar contains an entry for this variant (Variation ID: 1504573). Variants that disrupt the consensus splice site are a relatively common cause of aberrant splicing (PMID: 17576681, 9536098). Algorithms developed to predict the effect of sequence changes on RNA splicing suggest that this variant is not likely to affect RNA splicing. In summary, the available evidence is currently insufficient to determine the role of this variant in disease. Therefore, it has been classified as a Variant of Uncertain Significance.

Literature cited by the submitters: PubMed 17576681 (cited by Labcorp Genetics (formerly Invitae), Labcorp); PubMed 9536098 (cited by Labcorp Genetics (formerly Invitae), Labcorp).

NM_000093.5(COL5A1):c.2331+4G>A

Gene: COL5A1 (collagen type V alpha 1 chain; plus strand). Cytogenetic location: 9q34.3.
Variant type: single nucleotide variant.
Coding change: c.2331+4G>A on transcript NM_000093.5 (MANE Select); 4 bases into the intron after coding-DNA position 2331, G replaced by A.
Molecular consequence: intron variant.
Genome position (GRCh38, 1-based): chr9:134,772,838, G>A. VCF-style: chr9-134772838-G-A. GRCh37 (hg19) VCF-style: chr9-137664684-G-A.
Other names: c.2331+4G>A (NM_001278074.1).
Identifiers: ClinVar variation 1504573 (VCV001504573.8), dbSNP rs1588532335, ClinGen allele CA1129876242.